The following is an entry in ClinVar:

NM_030632.3(ASXL3):c.3202C>T (p.Arg1068Ter)

Gene: ASXL3 (ASXL transcriptional regulator 3; plus strand). Cytogenetic location: 18q12.1.
Variant type: single nucleotide variant.
Coding change: c.3202C>T on transcript NM_030632.3 (MANE Select); coding-DNA position 3202, C replaced by T.
Protein change: p.Arg1068Ter; replaces arginine 1068 with a stop codon.
Molecular consequence: nonsense.
Genome position (GRCh38, 1-based): chr18:33,743,050, C>T. VCF-style: chr18-33743050-C-T. GRCh37 (hg19) VCF-style: chr18-31323014-C-T.
Other names: short protein forms R1068*.
Identifiers: ClinVar variation 2428908 (VCV002428908.4), dbSNP rs973844363, ClinGen allele CA402184839.

ClinVar aggregate classification (germline): Pathogenic/Likely pathogenic. Review status: criteria provided, multiple submitters, no conflicts (2 of 4 stars). 2 submissions from 2 submitters: Pathogenic (1); Likely pathogenic (1). Last evaluated 2026-01-13.

Conditions:
Inborn genetic diseases. Identifiers: MedGen C0950123, MeSH D030342.

Submissions (2):

Ambry Genetics
Classification: Pathogenic for Inborn genetic diseases. Last evaluated: 2026-01-13. Review status: criteria provided, single submitter. Criteria: Ambry Variant Classification Scheme 2023. Collection method: clinical testing. Allele origin: germline.
Comment: The c.3202C>T (p.R1068*) alteration, located in exon 12 (coding exon 12) of the ASXL3 gene, consists of a C to T substitution at nucleotide position 3202. This changes the amino acid from a arginine (R) to a stop codon at amino acid position 1068. This variant is not expected to trigger nonsense-mediated mRNA decay, and impacts the last 52% of the protein. However, premature stop codons are typically deleterious in nature, the impacted region is critical for protein function, and a significant portion of the protein is affected (Ambry internal data). The Genome Aggregation Database (gnomAD) data for this variant is unreliable due to technical and/or biological issues; therefore, population frequency estimates were not considered. Based on the available evidence, this alteration is classified as pathogenic.

GeneDx
Classification: Likely pathogenic. Last evaluated: 2023-02-06. Review status: criteria provided, single submitter. Criteria: GeneDx Variant Classification Process June 2021. Collection method: clinical testing. Allele origin: germline. Affected: yes.
Comment: Nonsense variant in the C-terminus predicted to result in protein truncation, as the last 1181 amino acids are lost, and other loss-of-function variants have been reported downstream in the Human Gene Mutation Database (HGMD); Has not been previously published as pathogenic or benign to our knowledge